The following is an entry in ClinVar:

NM_001379286.1(ZNF423):c.2386G>A (p.Glu796Lys)

Gene: ZNF423 (zinc finger protein 423; minus strand). Cytogenetic location: 16q12.1.
Variant type: single nucleotide variant.
Coding change: c.2386G>A on transcript NM_001379286.1 (MANE Select); coding-DNA position 2386, G replaced by A.
Protein change: p.Glu796Lys; replaces glutamic acid 796 with lysine.
Molecular consequence: missense variant.
Genome position (GRCh38, 1-based): chr16:49,636,790, C>T on the plus strand (G>A on the coding strand, the complement: ZNF423 is on the minus strand). VCF-style: chr16-49636790-C-T. GRCh37 (hg19) VCF-style: chr16-49670701-C-T.
Other names: c.2182G>A, p.Glu728Lys (NM_001271620.2); c.2011G>A, p.Glu671Lys (NM_001330533.2); c.2362G>A, p.Glu788Lys (NM_015069.5); c.2362G>A (NM_015069.2); short protein forms E671K, E728K, E788K, E796K.
Identifiers: ClinVar variation 1021439 (VCV001021439.10), dbSNP rs765993465, ClinGen allele CA8046514.

ClinVar aggregate classification (germline): Uncertain significance. Review status: criteria provided, multiple submitters, no conflicts (2 of 4 stars). 3 submissions from 3 submitters: Uncertain significance (3). Last evaluated 2025-08-13.

Conditions:
Nephronophthisis 14 (NPHP14). Identifiers: Orphanet 2318, MedGen C3539071, MONDO:0013916, OMIM 614844.

Allele frequency attached by ClinVar (database versions not stated): ExAC 0.00001; gnomAD exomes 0.00001 and 0.00003; gnomAD 0.00005 and 0.00008; TOPMed 0.00012.
gnomAD v4.1: 26 of 1,614,012 alleles (0.0016%); highest among the groups gnomAD compares: Non-Finnish European, 0.0018%; no homozygotes.

Submissions (3):

Ambry Genetics
Classification: Uncertain significance. Last evaluated: 2025-08-13. Review status: criteria provided, single submitter. Criteria: Ambry Variant Classification Scheme 2023. Collection method: clinical testing. Allele origin: germline.

Labcorp Genetics (formerly Invitae), Labcorp
Classification: Uncertain significance for Nephronophthisis 14. Last evaluated: 2024-10-22. Review status: criteria provided, single submitter. Criteria: Invitae Variant Classification Sherloc (09022015). Collection method: clinical testing. Allele origin: germline.
Comment: This sequence change replaces glutamic acid, which is acidic and polar, with lysine, which is basic and polar, at codon 788 of the ZNF423 protein (p.Glu788Lys). This variant is present in population databases (rs765993465, gnomAD 0.002%). This variant has not been reported in the literature in individuals affected with ZNF423-related conditions. ClinVar contains an entry for this variant (Variation ID: 1021439). Invitae Evidence Modeling of protein sequence and biophysical properties (such as structural, functional, and spatial information, amino acid conservation, physicochemical variation, residue mobility, and thermodynamic stability) indicates that this missense variant is not expected to disrupt ZNF423 protein function with a negative predictive value of 80%. In summary, the available evidence is currently insufficient to determine the role of this variant in disease. Therefore, it has been classified as a Variant of Uncertain Significance.

Breakthrough Genomics
Classification: Uncertain significance. Review status: criteria provided, single submitter. Criteria: ACMG Guidelines, 2015. Collection method: not provided. Allele origin: germline. Inheritance: Autosomal recessive inheritance. Affected: yes.